The following is an entry in ClinVar:

ClinVar aggregate classification (germline): Likely benign. Review status: reviewed by expert panel (3 of 4 stars). 3 submissions from 3 submitters: Likely benign (1). 2 of the submissions do not count toward it. Last evaluated 2023-11-13.

Conditions:
Hereditary thrombocytopenia and hematological cancer predisposition syndrome associated with RUNX1. Also called: RUNX1 Familial Platelet Disorder with Associated Myeloid Malignancies; Familial Platelet Disorder with Propensity to Acute Myelogenous Leukemia; Familial thrombocytopenia with propensity to acute myelogenous leukemia; PLATELET DISORDER, ASPIRIN-LIKE. Identifiers: Orphanet 71290, MedGen C1832388, MeSH C563324, MONDO:0100083, OMIM 601399.
Hereditary thrombocytopenia and hematologic cancer predisposition syndrome. Identifiers: Orphanet 71290, MedGen CN281654, MONDO:0011071.
Inborn genetic diseases. Identifiers: MedGen C0950123, MeSH D030342.

Allele frequency attached by ClinVar (database versions not stated): gnomAD exomes below 0.00001; gnomAD 0.00001.
gnomAD v4.1: 2 of 1,613,896 alleles (0.00012%); highest among the groups gnomAD compares: South Asian, 0.0011%; no homozygotes.

Submissions (3):

ClinGen Myeloid Malignancy Variant Curation Expert Panel
Classification: Likely benign for Hereditary thrombocytopenia and hematologic cancer predisposition syndrome. Last evaluated: 2023-11-13. Review status: reviewed by expert panel. Criteria: ClinGen MyeloMalig ACMG Specifications v2. Collection method: curation. Allele origin: germline. Inheritance: Autosomal dominant inheritance.
Comment: The c.588A>G (p.Thr196=) variant is a synonymous (silent) variant that is not predicted by SpliceAI to impact splicing (BP4); in addition, an evolutionary conservation algorithm predicts the site as being non-conserved (PhyloP score = -3.26187 in GRCh38), and the variant allele is the reference nucleotide in one primate and/or three mammal species (BP7). The variant also has not been reported in cases or the literature. In summary, this variant meets the criteria to be classified as likely benign for hereditary thrombocytopenia and hematologic cancer predisposition syndrome based on the ACMG/AMP criteria applied, as specified by the ClinGen Myeloid Malignancy VCEP: BP4 and BP7.

Labcorp Genetics (formerly Invitae), Labcorp
Classification: Likely benign for Hereditary thrombocytopenia and hematological cancer predisposition syndrome associated with RUNX1. Last evaluated: 2025-10-26. Review status: criteria provided, single submitter. Criteria: Invitae Variant Classification Sherloc (09022015). Collection method: clinical testing. Allele origin: germline. Not counted in ClinVar's aggregate classification.

Ambry Genetics
Classification: Likely benign for Inborn genetic diseases. Last evaluated: 2025-03-21. Review status: criteria provided, single submitter. Criteria: Ambry Variant Classification Scheme 2023. Collection method: clinical testing. Allele origin: germline. Not counted in ClinVar's aggregate classification.

NM_001754.5(RUNX1):c.588A>G (p.Thr196=)

Genes: RUNX1 (RUNX family transcription factor 1; minus strand), RUNX1-AS1 (RUNX1 antisense RNA 1; plus strand). Cytogenetic location: 21q22.12.
Variant type: single nucleotide variant.
Coding change: c.588A>G on transcript NM_001754.5 (MANE Select); coding-DNA position 588, A replaced by G.
Protein change: p.Thr196=; no amino-acid change (threonine 196 retained).
Molecular consequence: synonymous variant.
Genome position (GRCh38, 1-based): chr21:34,859,499, T>C on the plus strand (A>G on the coding strand, the complement: RUNX1 is on the minus strand). VCF-style: chr21-34859499-T-C. GRCh37 (hg19) VCF-style: chr21-36231796-T-C.
Other names: NM_001754.5(RUNX1):c.588A>G; p.Thr196=; c.507A>G, p.Thr169= (NM_001001890.3, NM_001122607.2); c.588A>G (NM_001754.4).
Identifiers: ClinVar variation 1457911 (VCV001457911.10), dbSNP rs2057541225, ClinGen allele CA512319081.